The following is an entry in ClinVar:

NM_000051.4(ATM):c.7515+1G>T

Genes: ATM (ATM serine/threonine kinase; plus strand), C11orf65 (chromosome 11 open reading frame 65; minus strand). Cytogenetic location: 11q22.3.
Variant type: single nucleotide variant.
Coding change: c.7515+1G>T on transcript NM_000051.4 (MANE Select); the canonical splice donor site of the intron after coding-DNA position 7515, G replaced by T.
Molecular consequence: splice donor variant. On other transcripts: intron variant (2).
Genome position (GRCh38, 1-based): chr11:108,330,422, G>T. VCF-style: chr11-108330422-G-T. GRCh37 (hg19) VCF-style: chr11-108201149-G-T.
Other names: c.7515+1G>T (NM_001351834.2); c.641-21351C>A (NM_001330368.2); c.*38+4798C>A (NM_001351110.2).
Identifiers: ClinVar variation 1068370 (VCV001068370.13), dbSNP rs1591161831, ClinGen allele CA382560619.

ClinVar aggregate classification (germline): Pathogenic/Likely pathogenic. Review status: criteria provided, multiple submitters, no conflicts (2 of 4 stars). 4 submissions from 4 submitters: Pathogenic (1); Likely pathogenic (3). Last evaluated 2025-09-24.

Conditions:
Familial cancer of breast. Also called: Hereditary breast cancer; hereditary breast carcinoma; BREAST CANCER, FAMILIAL. Identifiers: Orphanet 227535, MedGen C0346153, MONDO:0016419, OMIM 114480. Disease mechanism: loss of function.
Ataxia-telangiectasia syndrome (AT). Also called: Ataxia telangiectasia (A-T); ATAXIA-TELANGIECTASIA, COMPLEMENTATION GROUP A; ATAXIA-TELANGIECTASIA, FRESNO VARIANT; Ataxia-telangiectasia; Ataxia-telangiectasia, complementation group E; LOUIS-BAR SYNDROME. Identifiers: Orphanet 100, MedGen C0004135, MONDO:0008840, OMIM 208900.

Submissions (4):

Labcorp Genetics (formerly Invitae), Labcorp
Classification: Likely pathogenic for Ataxia-telangiectasia syndrome. Last evaluated: 2025-09-24. Review status: criteria provided, single submitter. Criteria: Invitae Variant Classification Sherloc (09022015). Collection method: clinical testing. Allele origin: germline.
Comment: This sequence change affects a donor splice site in intron 50 of the ATM gene. It is expected to disrupt RNA splicing. Variants that disrupt the donor or acceptor splice site typically lead to a loss of protein function (PMID: 16199547), and loss-of-function variants in ATM are known to be pathogenic (PMID: 23807571, 25614872). This variant is not present in population databases (gnomAD no frequency). Disruption of this splice site has been observed in individual(s) with ataxia-telangiectasia (PMID: 21665257). ClinVar contains an entry for this variant (Variation ID: 1068370). Algorithms developed to predict the effect of sequence changes on RNA splicing suggest that this variant may disrupt the consensus splice site. In summary, the currently available evidence indicates that the variant is pathogenic, but additional data are needed to prove that conclusively. Therefore, this variant has been classified as Likely Pathogenic.

Women's Health and Genetics/Laboratory Corporation of America, LabCorp
Classification: Likely pathogenic for Ataxia-telangiectasia syndrome. Last evaluated: 2024-08-26. Review status: criteria provided, single submitter. Criteria: LabCorp Variant Classification Summary - May 2015. Collection method: clinical testing. Allele origin: germline.
Comment: Variant summary: ATM c.7515+1G>T is located in a canonical splice-site and is predicted to affect mRNA splicing resulting in a significantly altered protein due to either exon skipping, shortening, or inclusion of intronic material. Variants that disrupt the consensus splice site are a relatively common cause of aberrant splicing and loss of ATM function. Several computational tools predict a significant impact on normal splicing: One predict the variant abolishes a 5' splicing donor site. However, these predictions have yet to be confirmed by functional studies. The variant was absent in 250818 control chromosomes. c.7515+1G>T has been reported in the literature in an individual affected with Ataxia-Telangiectasia (Micol_2011). To our knowledge, no experimental evidence demonstrating an impact on protein function has been reported. The following publication has been ascertained in the context of this evaluation (PMID: 21665257). ClinVar contains an entry for this variant (Variation ID: 1068370). Based on the evidence outlined above, the variant was classified as likely pathogenic.

Myriad Genetics, Inc.
Classification: Likely pathogenic for Familial cancer of breast. Last evaluated: 2024-01-31. Review status: criteria provided, single submitter. Criteria: Myriad Autosomal Dominant, Autosomal Recessive and X-Linked Classification Criteria (2023). Collection method: clinical testing. Allele origin: unknown.
Comment: This variant is considered likely pathogenic. This variant occurs within a consensus splice junction and is predicted to result in abnormal mRNA splicing of either an out-of-frame exon or an in-frame exon necessary for protein stability and/or normal function.

Revvity Omics, Revvity
Classification: Pathogenic for Ataxia-telangiectasia syndrome. Last evaluated: 2019-04-26. Review status: criteria provided, single submitter. Criteria: ACMG Guidelines, 2015. Collection method: clinical testing. Allele origin: germline.

Literature cited by the submitters: PubMed 16199547 (cited by Labcorp Genetics (formerly Invitae), Labcorp); PubMed 23807571 (cited by Labcorp Genetics (formerly Invitae), Labcorp); PubMed 25614872 (cited by Labcorp Genetics (formerly Invitae), Labcorp); PubMed 21665257 (cited by Labcorp Genetics (formerly Invitae), Labcorp and Women's Health and Genetics/Laboratory Corporation of America, LabCorp).